The following is an entry in ClinVar:

NM_001365999.1(SZT2):c.9452A>G (p.Tyr3151Cys)

Genes: SZT2-AS1 (SZT2 antisense RNA 1; minus strand), SZT2 (SZT2 subunit of KICSTOR complex; plus strand). Cytogenetic location: 1p34.2.
Variant type: single nucleotide variant.
Coding change: c.9452A>G on transcript NM_001365999.1 (MANE Select); coding-DNA position 9452, A replaced by G.
Protein change: p.Tyr3151Cys; replaces tyrosine 3151 with cysteine.
Molecular consequence: missense variant. On other transcripts: non-coding transcript variant (1).
Genome position (GRCh38, 1-based): chr1:43,447,860, A>G. VCF-style: chr1-43447860-A-G. GRCh37 (hg19) VCF-style: chr1-43913531-A-G.
Other names: p.Tyr3094Cys; c.9281A>G, p.Tyr3094Cys (NM_015284.4); c.9281A>G (NM_015284.3); short protein forms Y3094C, Y3151C.
Identifiers: ClinVar variation 1043968 (VCV001043968.6), dbSNP rs143392721, ClinGen allele CA810922.

ClinVar aggregate classification (germline): Uncertain significance. Review status: criteria provided, multiple submitters, no conflicts (2 of 4 stars). 4 submissions from 4 submitters: Uncertain significance (4). Last evaluated 2025-03-31.

Conditions:
Developmental and epileptic encephalopathy, 18 (DEE18). Also called: Early infantile epileptic encephalopathy 18. Identifiers: Orphanet 369894, MedGen C3809624, MONDO:0014201, OMIM 615476.
SZT2-related disorder. Also called: SZT2-related condition.

Allele frequency attached by ClinVar (database versions not stated): gnomAD exomes 0.00001; gnomAD 0.00018 and 0.00016; 1000 Genomes Project 0.00020; TOPMed 0.00020; 1000 Genomes Project 30x 0.00031; ESP Exome Variant Server 0.00023.
gnomAD v4.1: 46 of 1,613,978 alleles (0.0029%); highest among the groups gnomAD compares: African/African-American, 0.06%; no homozygotes.

Submissions (4):

Mayo Clinic Laboratories, Mayo Clinic
Classification: Uncertain significance. Last evaluated: 2025-03-31. Review status: criteria provided, single submitter. Criteria: ACMG Guidelines, 2015. Collection method: clinical testing. Allele origin: germline. Observed: 1 variant allele.

PreventionGenetics, part of Exact Sciences
Classification: Uncertain significance for SZT2-related condition. Last evaluated: 2023-05-10. Review status: criteria provided, single submitter. Criteria: ACMG Guidelines, 2015. Collection method: clinical testing. Allele origin: germline.
Comment: The SZT2 c.9281A>G variant is predicted to result in the amino acid substitution p.Tyr3094Cys. To our knowledge, this variant has not been reported in the literature. This variant is reported in 0.064% of alleles in individuals of African descent in gnomAD. At this time, the clinical significance of this variant is uncertain due to the absence of conclusive functional and genetic evidence.

Genome-Nilou Lab
Classification: Uncertain significance for Developmental and epileptic encephalopathy, 18. Last evaluated: 2023-04-11. Review status: criteria provided, single submitter. Criteria: ACMG Guidelines, 2015. Collection method: clinical testing. Allele origin: germline. Affected: no.

Labcorp Genetics (formerly Invitae), Labcorp
Classification: Uncertain significance. Last evaluated: 2022-09-19. Review status: criteria provided, single submitter. Criteria: Invitae Variant Classification Sherloc (09022015). Collection method: clinical testing. Allele origin: germline.
Comment: This sequence change replaces tyrosine, which is neutral and polar, with cysteine, which is neutral and slightly polar, at codon 3094 of the SZT2 protein (p.Tyr3094Cys). This variant is present in population databases (rs143392721, gnomAD 0.07%). This variant has not been reported in the literature in individuals affected with SZT2-related conditions. ClinVar contains an entry for this variant (Variation ID: 1043968). Advanced modeling of protein sequence and biophysical properties (such as structural, functional, and spatial information, amino acid conservation, physicochemical variation, residue mobility, and thermodynamic stability) performed at Invitae indicates that this missense variant is expected to disrupt SZT2 protein function. In summary, the available evidence is currently insufficient to determine the role of this variant in disease. Therefore, it has been classified as a Variant of Uncertain Significance.